The following is an entry in ClinVar:

ClinVar aggregate classification (germline): Benign (1 of 4 stars; one submission).

Allele frequency attached by ClinVar (database versions not stated): ESP Exome Variant Server 0.00367; gnomAD 0.00408; gnomAD exomes 0.00457; TOPMed 0.00476; 1000 Genomes Project 0.00519; 1000 Genomes Project 30x 0.00531; ExAC 0.00604.
gnomAD v4.1: 7,425 of 1,613,098 alleles (0.46%); highest among the groups gnomAD compares: Middle Eastern, 3.4%; 45 homozygotes.

Submission:

CeGaT Center for Human Genetics Tuebingen
Classification: Benign. Last evaluated: 2025-01-01. Review status: criteria provided, single submitter. Criteria: CeGaT Center For Human Genetics Tuebingen Variant Classification Criteria Version 2. Collection method: clinical testing. Allele origin: germline. Affected: yes. Observed: 2 variant alleles.
Comment: ZCWPW1: BP4, BS1, BS2

NM_001386010.1(ZCWPW1):c.314A>G (p.Glu105Gly)

Gene: ZCWPW1 (zinc finger CW-type and PWWP domain containing 1; minus strand). Cytogenetic location: 7q22.1.
Variant type: single nucleotide variant.
Coding change: c.314A>G on transcript NM_001386010.1 (MANE Select); coding-DNA position 314, A replaced by G.
Protein change: p.Glu105Gly; replaces glutamic acid 105 with glycine.
Molecular consequence: missense variant. On other transcripts: intron variant (4).
Genome position (GRCh38, 1-based): chr7:100,419,158, T>C on the plus strand (A>G on the coding strand, the complement: ZCWPW1 is on the minus strand). VCF-style: chr7-100419158-T-C. GRCh37 (hg19) VCF-style: chr7-100016781-T-C.
Other names: c.314A>G, p.Glu105Gly (NM_001258008.3, NM_001386011.1, NM_001386012.1 and 7 more transcripts); c.110A>G, p.Glu37Gly (NM_001386009.1, NM_001386019.1, NM_001386023.1); c.-300-3061A>G (NM_001388066.1); c.282+472A>G (NM_001386008.1); c.28+1464A>G (NM_001386015.1, NM_001386021.1); short protein forms E105G, E37G.
Identifiers: ClinVar variation 2673115 (VCV002673115.23), dbSNP rs141450215, ClinGen allele CA4381349.